The following is an entry in ClinVar:

NM_001369.3(DNAH5):c.10098dup (p.Gln3367fs)

Gene: DNAH5 (dynein axonemal heavy chain 5; minus strand). Cytogenetic location: 5p15.2.
Variant type: Duplication.
Coding change: c.10098dup on transcript NM_001369.3 (MANE Select); coding-DNA position 10098, one base duplicated (A; older notation c.10098dupA).
Protein change: p.Gln3367fs; shifts the reading frame from glutamine 3367.
Molecular consequence: frameshift variant.
Genome position (GRCh38, 1-based): chr5:13,765,979, T duplicated on the plus strand (A on the coding strand, the reverse complement: DNAH5 is on the minus strand). VCF-style (leftmost placement, unchanged base first): chr5-13765978-G-GT. GRCh37 (hg19) VCF-style: chr5-13766087-G-GT.
Other names: short protein forms Q3367fs.
Identifiers: ClinVar variation 5012873 (VCV005012873.1).

ClinVar aggregate classification (germline): Pathogenic (1 of 4 stars; one submission).

Conditions:
Primary ciliary dyskinesia 3. Identifiers: Orphanet 244, MedGen C1837618, MONDO:0012085, OMIM 608644.

Submission:

Myriad Genetics, Inc.
Classification: Pathogenic for Primary ciliary dyskinesia 3. Last evaluated: 2024-03-29. Review status: criteria provided, single submitter. Criteria: Myriad Autosomal Dominant, Autosomal Recessive and X-Linked Classification Criteria (2023). Collection method: clinical testing. Allele origin: unknown.
Comment: NM_001369.2(DNAH5):c.10098dupA(Q3367Tfs*10) is expected to be pathogenic in the context of primary ciliary dyskinesia, DNAH5-related. This variant is predicted to lead to an abnormal or absent protein product due to the creation of a premature termination codon in DNAH5, a gene where loss-of-function variants are known to be pathogenic. Please note: this variant was assessed in the context of healthy population screening.